The following is an entry in ClinVar:

ClinVar aggregate classification (germline): Uncertain significance (1 of 4 stars; one submission).

Conditions:
Nephronophthisis 14 (NPHP14). Identifiers: Orphanet 2318, MedGen C3539071, MONDO:0013916, OMIM 614844.

gnomAD v4.1: 1 of 1,610,230 alleles (0.000062%); no homozygotes.

Submission:

Labcorp Genetics (formerly Invitae), Labcorp
Classification: Uncertain significance for Nephronophthisis 14. Last evaluated: 2022-08-16. Review status: criteria provided, single submitter. Criteria: Invitae Variant Classification Sherloc (09022015). Collection method: clinical testing. Allele origin: germline.
Comment: In summary, the available evidence is currently insufficient to determine the role of this variant in disease. Therefore, it has been classified as a Variant of Uncertain Significance. Algorithms developed to predict the effect of missense changes on protein structure and function are either unavailable or do not agree on the potential impact of this missense change (SIFT: "Tolerated"; PolyPhen-2: "Probably Damaging"; Align-GVGD: "Class C0"). This variant has not been reported in the literature in individuals affected with ZNF423-related conditions. This variant is present in population databases (no rsID available, gnomAD no frequency). This sequence change replaces serine, which is neutral and polar, with proline, which is neutral and non-polar, at codon 101 of the ZNF423 protein (p.Ser101Pro).

NM_001379286.1(ZNF423):c.325T>C (p.Ser109Pro)

Gene: ZNF423 (zinc finger protein 423; minus strand). Cytogenetic location: 16q12.1.
Variant type: single nucleotide variant.
Coding change: c.325T>C on transcript NM_001379286.1 (MANE Select); coding-DNA position 325, T replaced by C.
Protein change: p.Ser109Pro; replaces serine 109 with proline.
Molecular consequence: missense variant. On other transcripts: 5 prime UTR variant (1).
Genome position (GRCh38, 1-based): chr16:49,638,851, A>G on the plus strand (T>C on the coding strand, the complement: ZNF423 is on the minus strand). VCF-style: chr16-49638851-A-G. GRCh37 (hg19) VCF-style: chr16-49672762-A-G.
Other names: c.121T>C, p.Ser41Pro (NM_001271620.2); c.-51T>C (NM_001330533.2); c.301T>C, p.Ser101Pro (NM_015069.5); short protein forms S41P, S109P, S101P.
Identifiers: ClinVar variation 1896834 (VCV001896834.5), dbSNP rs1367621571, ClinGen allele CA395852731.